The following is an entry in ClinVar:

ClinVar aggregate classification (germline): Uncertain significance (1 of 4 stars; one submission).

Submission:

Labcorp Genetics (formerly Invitae), Labcorp
Classification: Uncertain significance. Last evaluated: 2022-09-12. Review status: criteria provided, single submitter. Criteria: Invitae Variant Classification Sherloc (09022015). Collection method: clinical testing. Allele origin: germline.
Comment: In summary, the available evidence is currently insufficient to determine the role of this variant in disease. Therefore, it has been classified as a Variant of Uncertain Significance. Advanced modeling of protein sequence and biophysical properties (such as structural, functional, and spatial information, amino acid conservation, physicochemical variation, residue mobility, and thermodynamic stability) performed at Invitae indicates that this missense variant is not expected to disrupt PPA2 protein function. ClinVar contains an entry for this variant (Variation ID: 1435948). This variant has not been reported in the literature in individuals affected with PPA2-related conditions. This variant is not present in population databases (gnomAD no frequency). This sequence change replaces glutamic acid, which is acidic and polar, with lysine, which is basic and polar, at codon 39 of the PPA2 protein (p.Glu39Lys).

NM_176869.3(PPA2):c.115G>A (p.Glu39Lys)

Gene: PPA2 (inorganic pyrophosphatase 2; minus strand). Cytogenetic location: 4q24.
Variant type: single nucleotide variant.
Coding change: c.115G>A on transcript NM_176869.3 (MANE Select); coding-DNA position 115, G replaced by A.
Protein change: p.Glu39Lys; replaces glutamic acid 39 with lysine.
Molecular consequence: missense variant.
Genome position (GRCh38, 1-based): chr4:105,473,936, C>T on the plus strand (G>A on the coding strand, the complement: PPA2 is on the minus strand). VCF-style: chr4-105473936-C-T. GRCh37 (hg19) VCF-style: chr4-106395093-C-T.
Other names: c.115G>A, p.Glu39Lys (NM_006903.4, NM_176866.2, NM_176867.3); short protein forms E39K.
Identifiers: ClinVar variation 1435948 (VCV001435948.8), dbSNP rs2110339981, ClinGen allele CA357967946.